The following is an entry in ClinVar:

ClinVar aggregate classification (germline): Benign. Review status: criteria provided, multiple submitters, no conflicts (2 of 4 stars). 3 submissions from 3 submitters: Benign (2). 1 of the submissions does not count toward it. Last evaluated 2026-01-27.

Conditions:
IREB2-related disorder. Also called: IREB2-related condition.

Allele frequency attached by ClinVar (database versions not stated): gnomAD exomes 0.00111 and 0.00320; ExAC 0.00404; gnomAD 0.01270 and 0.01376; ESP Exome Variant Server 0.01364; TOPMed 0.01439; 1000 Genomes Project 0.01538; 1000 Genomes Project 30x 0.01796.
gnomAD v4.1: 3,627 of 1,613,566 alleles (0.22%); highest among the groups gnomAD compares: African/African-American, 4.2%; 75 homozygotes.

Submissions (3):

Labcorp Genetics (formerly Invitae), Labcorp
Classification: Benign. Last evaluated: 2026-01-27. Review status: criteria provided, single submitter. Criteria: Invitae Variant Classification Sherloc (09022015). Collection method: clinical testing. Allele origin: germline.

Breakthrough Genomics
Classification: Benign. Review status: criteria provided, single submitter. Criteria: ACMG Guidelines, 2015. Collection method: not provided. Allele origin: germline. Inheritance: Autosomal recessive inheritance. Affected: yes.

PreventionGenetics, part of Exact Sciences
Classification: Benign for IREB2-related condition. Last evaluated: 2019-11-07. Review status: no assertion criteria provided. Collection method: clinical testing. Allele origin: germline. Not counted in ClinVar's aggregate classification.
Comment: This variant is classified as benign based on ACMG/AMP sequence variant interpretation guidelines (Richards et al. 2015 PMID: 25741868, with internal and published modifications).

NM_004136.4(IREB2):c.804A>G (p.Lys268=)

Gene: IREB2 (iron responsive element binding protein 2; plus strand). Cytogenetic location: 15q25.1.
Variant type: single nucleotide variant.
Coding change: c.804A>G on transcript NM_004136.4 (MANE Select); coding-DNA position 804, A replaced by G.
Protein change: p.Lys268=; no amino-acid change (lysine 268 retained).
Molecular consequence: synonymous variant.
Genome position (GRCh38, 1-based): chr15:78,471,845, A>G. VCF-style: chr15-78471845-A-G. GRCh37 (hg19) VCF-style: chr15-78764187-A-G.
Other names: c.54A>G, p.Lys18= (NM_001320941.2); c.633A>G, p.Lys211= (NM_001320942.2, NM_001354994.2); c.804A>G, p.Lys268= (NM_001320943.2).
Identifiers: ClinVar variation 779903 (VCV000779903.12), dbSNP rs35999247, ClinGen allele CA7682807.
Genomic context (GRCh38, chr15:78,471,845, plus strand): 5'-AACTGGAATGGCTCATCAAATAAACTTAGAATATTTGTCAAGAGTGGTTTTTGAAGAAAA[A>G]GACCTCCTCTTCCCAGACAGTGTAGTCGGCACAGATTCACACATAACGATGGTGAATGGT-3'
Protein context (NP_004127.2, residues 258-278): EYLSRVVFEE[Lys268=]DLLFPDSVVG